The following is an entry in ClinVar:

NC_000003.12:g.169764912G>A

Genes: TERC (telomerase RNA component; minus strand), LOC110806306 (telomerase RNA component (TERC) promoter; plus strand). Cytogenetic location: 3q26.2.
Variant type: single nucleotide variant.
Genome position: GRCh38 VCF-style: chr3-169764912-G-A. GRCh37 (hg19) VCF-style: chr3-169482700-G-A.
Identifiers: ClinVar variation 2067519 (VCV002067519.4), dbSNP rs200803024, ClinGen allele CA2696820.

ClinVar aggregate classification (germline): Uncertain significance (1 of 4 stars; one submission).

Conditions:
Dyskeratosis congenita, autosomal dominant 1 (DKCA1). Also called: Dyskeratosis congenita Scoggins type. Identifiers: Orphanet 1775, MedGen C4551974, MONDO:0007485, OMIM 127550. Inheritance: Variable.

Allele frequency attached by ClinVar (database versions not stated): gnomAD exomes 0.00001; TOPMed 0.00001; ExAC 0.00001.
gnomAD v4.1: 4 of 765,216 alleles (0.00052%); highest among the groups gnomAD compares: East Asian, 0.0024%; no homozygotes.

Submission:

Labcorp Genetics (formerly Invitae), Labcorp
Classification: Uncertain significance for Dyskeratosis congenita, autosomal dominant 1. Last evaluated: 2024-07-03. Review status: criteria provided, single submitter. Criteria: Invitae Variant Classification Sherloc (09022015). Collection method: clinical testing. Allele origin: germline.
Comment: This variant occurs in the TERC gene, which encodes an RNA molecule that does not result in a protein product. This variant is present in population databases (rs200803024, gnomAD 0.006%). This variant has not been reported in the literature in individuals affected with TERC-related conditions. ClinVar contains an entry for this variant (Variation ID: 2067519). This variant is located within the template/pseudoknot domain of the TERC RNA component, which is required for RNA or RNP stability (PMID: 15082312, 21844345). This variant is located in a region of TERC in which a significant number of disease causing variants have been reported (PMID: 15082312, 21844345, 21931702). These observations suggest that this may be a clinically significant region. In summary, the available evidence is currently insufficient to determine the role of this variant in disease. Therefore, it has been classified as a Variant of Uncertain Significance.

Literature cited by the submitters: PubMed 15082312; PubMed 21844345; PubMed 21931702.